The following is an entry in ClinVar:

ClinVar aggregate classification (germline): Pathogenic (3 of 4 stars; one submission).

Conditions:
ABCA4-related retinopathy. Also called: ABCA4-related retinoapthy; ABCA4 retinoapthy. Identifiers: MedGen CN322612, MONDO:0800406.

Submission:

ClinGen ABCA4 Variant Curation Expert Panel, Clingen
Classification: Pathogenic for ABCA4-related retinopathy. Last evaluated: 2025-12-05. Review status: reviewed by expert panel. Criteria: ClinGen ABCA4 ACMG Specifications V1.0.0. Collection method: curation. Allele origin: germline. Inheritance: Autosomal recessive inheritance.
Comment: The NM_000350.3:c.5776C>T (p.Gln1926Ter) variant in ABCA4 is a nonsense variant predicted to cause a premature stop codon in biologically relevant exon 41/50 leading to nonsense mediated decay in a gene in which loss-of-function is an established disease mechanism (PVS1). This variant is absent from gnomAD v4.1.0 (PM2_Supporting). The prevalence of the variant in affected individuals is significantly increased compared with the prevalence in controls. The OR is infinity and the CI is 2.24-infinity, which is above the ABCA4 VCEP threshold of ≥5, where the CI does not contain 1 (PS4; PMID: 35120629). In summary, this variant meets the criteria to be classified as pathogenic for ABCA4-related retinopathy based on the ACMG/AMP criteria applied, as specified by the ClinGen ABCA4 VCEP (Specification Version 1.0): PVS1, PS4, PM2_Supporting.

NM_000350.3(ABCA4):c.5776C>T (p.Gln1926Ter)

Gene: ABCA4 (ATP binding cassette subfamily A member 4; minus strand). Cytogenetic location: 1p22.1.
Variant type: single nucleotide variant.
Coding change: c.5776C>T on transcript NM_000350.3 (MANE Select); coding-DNA position 5776, C replaced by T.
Protein change: p.Gln1926Ter; replaces glutamine 1926 with a stop codon.
Molecular consequence: nonsense.
Genome position (GRCh38, 1-based): chr1:94,008,810, G>A on the plus strand (C>T on the coding strand, the complement: ABCA4 is on the minus strand). VCF-style: chr1-94008810-G-A. GRCh37 (hg19) VCF-style: chr1-94474366-G-A.
Other names: NM_000350.3:c.5776C>T; c.5554C>T, p.Gln1852Ter (NM_001425324.1); short protein forms Q1852*, Q1926*.
Identifiers: ClinVar variation 4538555 (VCV004538555.1).
Genomic context (GRCh38, chr1:94,008,810, plus strand): 5'-CCTTGGTTAGTTCATGTAGCCTTAAGATGTCAGTTTTATTTCCACCAGTAATAATTCTTT[G>A]TCTTTCTTCAGCCACATCATCATCTTCATCAACAATGGGCTCCTTAGTGGGCTCGGCAAT-3'